The following is an entry in ClinVar:

NM_032043.3(BRIP1):c.1766T>G (p.Leu589Arg)

Gene: BRIP1 (BRCA1 interacting DNA helicase 1; minus strand). Cytogenetic location: 17q23.2.
Variant type: single nucleotide variant.
Coding change: c.1766T>G on transcript NM_032043.3 (MANE Select); coding-DNA position 1766, T replaced by G.
Protein change: p.Leu589Arg; replaces leucine 589 with arginine.
Molecular consequence: missense variant.
Genome position (GRCh38, 1-based): chr17:61,780,868, A>C on the plus strand (T>G on the coding strand, the complement: BRIP1 is on the minus strand). VCF-style: chr17-61780868-A-C. GRCh37 (hg19) VCF-style: chr17-59858229-A-C.
Other names: short protein forms L589R.
Identifiers: ClinVar variation 2924896 (VCV002924896.4), dbSNP rs2145091285, ClinGen allele CA400480301.

ClinVar aggregate classification (germline): Uncertain significance. Review status: criteria provided, multiple submitters, no conflicts (2 of 4 stars). 2 submissions from 2 submitters: Uncertain significance (2). Last evaluated 2023-11-10.

Conditions:
Hereditary cancer-predisposing syndrome. Also called: Tumor predisposition; Neoplastic Syndromes, Hereditary; Hereditary Cancer Syndrome; Hereditary neoplastic syndrome. Identifiers: Orphanet 140162, MedGen C0027672, MeSH D009386, MONDO:0015356.
Fanconi anemia complementation group J. Also called: BRIP1-Related Fanconi Anemia. Identifiers: Orphanet 84, MedGen C1836860, MONDO:0012187, OMIM 609054.
Familial cancer of breast. Also called: hereditary breast carcinoma; BREAST CANCER, FAMILIAL; Hereditary breast cancer. Identifiers: Orphanet 227535, MedGen C0346153, MONDO:0016419, OMIM 114480. Disease mechanism: loss of function.

Submissions (2):

Ambry Genetics
Classification: Uncertain significance for Hereditary cancer-predisposing syndrome. Last evaluated: 2023-11-10. Review status: criteria provided, single submitter. Criteria: Ambry Variant Classification Scheme 2023. Collection method: clinical testing. Allele origin: germline.
Comment: The p.L589R variant (also known as c.1766T>G), located in coding exon 11 of the BRIP1 gene, results from a T to G substitution at nucleotide position 1766. The leucine at codon 589 is replaced by arginine, an amino acid with dissimilar properties. This amino acid position is conserved. In addition, this alteration is predicted to be deleterious by in silico analysis. Since supporting evidence is limited at this time, the clinical significance of this alteration remains unclear.

Labcorp Genetics (formerly Invitae), Labcorp
Classification: Uncertain significance for Familial cancer of breast; Fanconi anemia complementation group J. Last evaluated: 2023-05-04. Review status: criteria provided, single submitter. Criteria: Invitae Variant Classification Sherloc (09022015). Collection method: clinical testing. Allele origin: germline.
Comment: In summary, the available evidence is currently insufficient to determine the role of this variant in disease. Therefore, it has been classified as a Variant of Uncertain Significance. Advanced modeling of protein sequence and biophysical properties (such as structural, functional, and spatial information, amino acid conservation, physicochemical variation, residue mobility, and thermodynamic stability) performed at Invitae indicates that this missense variant is expected to disrupt BRIP1 protein function. This variant has not been reported in the literature in individuals affected with BRIP1-related conditions. This variant is not present in population databases (gnomAD no frequency). This sequence change replaces leucine, which is neutral and non-polar, with arginine, which is basic and polar, at codon 589 of the BRIP1 protein (p.Leu589Arg).